The following is an entry in ClinVar:

ClinVar aggregate classification (germline): Benign (1 of 4 stars; one submission).

Conditions:
Episodic ataxia type 5. Identifiers: Orphanet 211067, MedGen C1866039, MONDO:0013464, OMIM 613855.

Allele frequency attached by ClinVar (database versions not stated): 1000 Genomes Project 30x 0.00578; 1000 Genomes Project 0.00619; gnomAD 0.00721 and 0.00778; TOPMed 0.00828.

Submission:

Illumina Laboratory Services, Illumina
Classification: Benign for Episodic ataxia type 5. Last evaluated: 2018-01-13. Review status: criteria provided, single submitter. Criteria: ICSL Variant Classification Criteria 13 December 2019. Collection method: clinical testing. Allele origin: germline.
Comment: This variant was observed in the ICSL laboratory as part of a predisposition screen in an ostensibly healthy population. It had not been previously curated by ICSL or reported in the Human Gene Mutation Database (HGMD: prior to June 1st, 2018), and was therefore a candidate for classification through an automated scoring system. Utilizing variant allele frequency, disease prevalence and penetrance estimates, and inheritance mode, an automated score was calculated to assess if this variant is too frequent to cause the disease. Based on the score and internal cut-off values, a variant classified as benign is not then subjected to further curation. The score for this variant resulted in a classification of benign for this disease.

NM_000726.5(CACNB4):c.*5372T>C

Gene: CACNB4 (calcium voltage-gated channel auxiliary subunit beta 4; minus strand). Cytogenetic location: 2q23.3.
Variant type: single nucleotide variant.
Coding change: c.*5372T>C on transcript NM_000726.5 (MANE Select); 5372 bases downstream of the stop codon, T replaced by C.
Molecular consequence: 3 prime UTR variant.
Genome position (GRCh38, 1-based): chr2:151,833,747, A>G on the plus strand (T>C on the coding strand, the complement: CACNB4 is on the minus strand). VCF-style: chr2-151833747-A-G. GRCh37 (hg19) VCF-style: chr2-152690261-A-G.
Other names: c.*5372T>C (NM_001005746.4, NM_001005747.4, NM_001145798.3 and 7 more transcripts).
Identifiers: ClinVar variation 331559 (VCV000331559.6), dbSNP rs150406641, ClinGen allele CA10612503.
Genomic context (GRCh38, chr2:151,833,747, plus strand): 5'-AGAACTAAATCGACATACTTTTAAAAAATATGACTGCCAAATTTAACGGTGGATTTTGTT[A>G]TAAGTTTGTGCTATAACAAATGTGCTTCTTTCTCCTCAATCTATTTTTATATTATTGGCA-3'